The following is an entry in ClinVar:

NM_006939.4(SOS2):c.3133_3134del (p.His1045fs)

Gene: SOS2 (SOS Ras/Rho guanine nucleotide exchange factor 2; minus strand). Cytogenetic location: 14q21.3.
Variant type: Deletion.
Coding change: c.3133_3134del on transcript NM_006939.4 (MANE Select); coding-DNA positions 3133 to 3134, 2 bases deleted (CA; older notation c.3133_3134delCA).
Protein change: p.His1045fs; shifts the reading frame from histidine 1045.
Molecular consequence: frameshift variant.
Genome position (GRCh38, 1-based): chr14:50,130,704-50,130,705, TG deleted on the plus strand (CA on the coding strand, the reverse complement: SOS2 is on the minus strand); deleting any 2 consecutive bases within chr14:50,130,704-50,130,706 gives the same sequence; the c. name uses the placement nearest the transcript's 3' end. VCF-style (leftmost placement, unchanged base first): chr14-50130703-ATG-A. GRCh37 (hg19) VCF-style: chr14-50597421-ATG-A.
Other names: c.3034_3035del, p.His1012fs (NM_001411020.1); short protein forms H1012fs, H1045fs.
Identifiers: ClinVar variation 3359614 (VCV003359614.1).

ClinVar aggregate classification (germline): Uncertain significance (1 of 4 stars; one submission).

Submission:

GeneDx
Classification: Uncertain significance. Last evaluated: 2023-06-07. Review status: criteria provided, single submitter. Criteria: GeneDx Variant Classification Process June 2021. Collection method: clinical testing. Allele origin: germline. Affected: yes.
Comment: Not observed at significant frequency in large population cohorts (gnomAD); Has not been previously published as pathogenic or benign to our knowledge; Frameshift variant predicted to result in protein truncation or nonsense mediated decay in a gene for which loss-of-function is not a known mechanism of disease